The following is an entry in ClinVar:

ClinVar aggregate classification (germline): Uncertain significance (1 of 4 stars; one submission).

Conditions:
Hereditary cancer-predisposing syndrome. Also called: Hereditary neoplastic syndrome; Neoplastic Syndromes, Hereditary; Tumor predisposition; Hereditary Cancer Syndrome. Identifiers: Orphanet 140162, MedGen C0027672, MeSH D009386, MONDO:0015356.

Submission:

Ambry Genetics
Classification: Uncertain significance for Hereditary cancer-predisposing syndrome. Last evaluated: 2024-12-22. Review status: criteria provided, single submitter. Criteria: Ambry Variant Classification Scheme 2023. Collection method: clinical testing. Allele origin: germline.
Comment: The p.A80P variant (also known as c.238G>C), located in coding exon 1 of the GREM1 gene, results from a G to C substitution at nucleotide position 238. The alanine at codon 80 is replaced by proline, an amino acid with highly similar properties. This amino acid position is conserved. In addition, the in silico prediction for this alteration is inconclusive. Based on the available evidence, the clinical significance of this variant remains unclear.

NM_013372.7(GREM1):c.238G>C (p.Ala80Pro)

Gene: GREM1 (gremlin 1, DAN family BMP antagonist; plus strand). Cytogenetic location: 15q13.3.
Variant type: single nucleotide variant.
Coding change: c.238G>C on transcript NM_013372.7 (MANE Select); coding-DNA position 238, G replaced by C.
Protein change: p.Ala80Pro; replaces alanine 80 with proline.
Molecular consequence: missense variant.
Genome position (GRCh38, 1-based): chr15:32,730,928, G>C. VCF-style: chr15-32730928-G-C. GRCh37 (hg19) VCF-style: chr15-33023129-G-C.
Other names: c.28G>C, p.Ala10Pro (NM_001191322.2); c.115G>C, p.Ala39Pro (NM_001191323.2); c.238G>C, p.Ala80Pro (NM_001368719.1); short protein forms A10P, A80P, A39P.
Identifiers: ClinVar variation 3855661 (VCV003855661.1).